The following is an entry in ClinVar:

NM_001365536.1(SCN9A):c.3351+2T>G

Genes: SCN1A-AS1 (SCN1A and SCN9A antisense RNA 1; plus strand), SCN9A (sodium voltage-gated channel alpha subunit 9; minus strand). Cytogenetic location: 2q24.3.
Variant type: single nucleotide variant.
Coding change: c.3351+2T>G on transcript NM_001365536.1 (MANE Select); the canonical splice donor site of the intron after coding-DNA position 3351, T replaced by G.
Molecular consequence: splice donor variant.
Genome position (GRCh38, 1-based): chr2:166,272,397, A>C on the plus strand (T>G on the coding strand, the complement: SCN9A is on the minus strand). VCF-style: chr2-166272397-A-C. GRCh37 (hg19) VCF-style: chr2-167128907-A-C.
Other names: c.3318+2T>G (NM_002977.4).
Identifiers: ClinVar variation 2017378 (VCV002017378.4), dbSNP rs2467982175, ClinGen allele CA349072393.

ClinVar aggregate classification (germline): Likely pathogenic (1 of 4 stars; one submission).

Conditions:
Generalized epilepsy with febrile seizures plus, type 7 (GEFSP7). Also called: GEFS+, TYPE 7. Identifiers: Orphanet 36387, MedGen C2751778, MONDO:0013470, OMIM 613863.
Neuropathy, hereditary sensory and autonomic, type 2A (HSAN2A). Also called: ACROOSTEOLYSIS, GIACCAI TYPE; ACROOSTEOLYSIS, NEUROGENIC; WNK1-Related HSAN2 (HSAN2A); MORVAN DISEASE; NEUROPATHY, CONGENITAL SENSORY; HSAN IIA. Identifiers: Orphanet 970, MedGen C2752089, MONDO:0024309, OMIM 201300.

Submission:

Labcorp Genetics (formerly Invitae), Labcorp
Classification: Likely pathogenic for Neuropathy, hereditary sensory and autonomic, type 2A; Generalized epilepsy with febrile seizures plus, type 7. Last evaluated: 2022-07-15. Review status: criteria provided, single submitter. Criteria: Invitae Variant Classification Sherloc (09022015). Collection method: clinical testing. Allele origin: germline.
Comment: In summary, the currently available evidence indicates that the variant is pathogenic, but additional data are needed to prove that conclusively. Therefore, this variant has been classified as Likely Pathogenic. Algorithms developed to predict the effect of sequence changes on RNA splicing suggest that this variant may disrupt the consensus splice site. This variant has not been reported in the literature in individuals affected with SCN9A-related conditions. This variant is not present in population databases (gnomAD no frequency). This sequence change affects a donor splice site in intron 17 of the SCN9A gene. It is expected to disrupt RNA splicing. Variants that disrupt the donor or acceptor splice site typically lead to a loss of protein function (PMID: 16199547), and loss-of-function variants in SCN9A are known to be pathogenic (PMID: 17470132, 19304393).

Literature cited by the submitters: PubMed 16199547; PubMed 17470132; PubMed 19304393.